The following is an entry in ClinVar:

NM_004787.4(SLIT2):c.776-967G>T

Gene: SLIT2 (slit guidance ligand 2; plus strand). Cytogenetic location: 4p15.31.
Variant type: single nucleotide variant.
Coding change: c.776-967G>T on transcript NM_004787.4 (MANE Select); 967 bases into the intron before coding-DNA position 776, G replaced by T.
Molecular consequence: intron variant.
Genome position (GRCh38, 1-based): chr4:20,490,794, G>T. VCF-style: chr4-20490794-G-T. GRCh37 (hg19) VCF-style: chr4-20492417-G-T.
Other names: c.776-9G>T (NM_001289135.3); c.776-967G>T (NM_001289136.3).
Identifiers: ClinVar variation 3059102 (VCV003059102.2), dbSNP rs7695303, ClinGen allele CA2871214.

ClinVar aggregate classification (germline): Benign (0 of 4 stars; one submission).

Conditions:
SLIT2-related disorder. Also called: SLIT2-related condition.

Allele frequency attached by ClinVar (database versions not stated): ExAC 0.16431; TOPMed 0.25098; 1000 Genomes Project 0.25499; 1000 Genomes Project 30x 0.25874.
gnomAD v4.1: 266,502 of 1,502,790 alleles (18%); highest among the groups gnomAD compares: African/African-American, 40%; 26,503 homozygotes.

Submission:

PreventionGenetics, part of Exact Sciences
Classification: Benign for SLIT2-related condition. Last evaluated: 2019-09-10. Review status: no assertion criteria provided. Collection method: clinical testing. Allele origin: germline.
Comment: This variant is classified as benign based on ACMG/AMP sequence variant interpretation guidelines (Richards et al. 2015 PMID: 25741868, with internal and published modifications).